The following is an entry in ClinVar:

ClinVar aggregate classification (germline): Uncertain significance (1 of 4 stars; one submission).

Submission:

Labcorp Genetics (formerly Invitae), Labcorp
Classification: Uncertain significance. Last evaluated: 2022-04-24. Review status: criteria provided, single submitter. Criteria: Invitae Variant Classification Sherloc (09022015). Collection method: clinical testing. Allele origin: germline.
Comment: In summary, the available evidence is currently insufficient to determine the role of this variant in disease. Therefore, it has been classified as a Variant of Uncertain Significance. Variants that disrupt the consensus splice site are a relatively common cause of aberrant splicing (PMID: 17576681, 9536098). Algorithms developed to predict the effect of sequence changes on RNA splicing suggest that this variant may disrupt the consensus splice site. This variant is not present in population databases (gnomAD no frequency). This variant has not been reported in the literature in individuals affected with NTHL1-related conditions. This sequence change affects an acceptor splice site in intron 5 of the NTHL1 gene. While this variant is not anticipated to result in nonsense mediated decay, it likely alters RNA splicing and results in a disrupted protein product.

Literature cited by the submitters: PubMed 17576681; PubMed 9536098.

NM_002528.7(NTHL1):c.792-1G>C

Gene: NTHL1 (nth like DNA glycosylase 1; minus strand). Cytogenetic location: 16p13.3.
Variant type: single nucleotide variant.
Coding change: c.792-1G>C on transcript NM_002528.7 (MANE Select); the canonical splice acceptor site of the intron before coding-DNA position 792, G replaced by C.
Molecular consequence: splice acceptor variant.
Genome position (GRCh38, 1-based): chr16:2,040,048, C>G on the plus strand (G>C on the coding strand, the complement: NTHL1 is on the minus strand). VCF-style: chr16-2040048-C-G. GRCh37 (hg19) VCF-style: chr16-2090049-C-G.
Other names: c.462-1G>C (NM_001318194.2); c.621-1G>C (NM_001318193.2).
Identifiers: ClinVar variation 2129910 (VCV002129910.4), dbSNP rs2150937988, ClinGen allele CA394287663.
Genomic context (GRCh38, chr16:2,040,048, plus strand): 5'-GGCAGACAGGTCTGCTGGCCGAAGCCCACCAAGAGTCCATTGATCTCGTGCCACAGCTCC[C>G]TGTGGGGGTGGGGGCTGGGTCAGTGCTGACAGAGGGCGGGCGGGGTGAGCTCTTCTCCCT-3'